The following is an entry in ClinVar:

ClinVar aggregate classification (germline): Pathogenic (1 of 4 stars; one submission).

Conditions:
Familial cancer of breast. Also called: Hereditary breast cancer; BREAST CANCER, FAMILIAL; hereditary breast carcinoma. Identifiers: Orphanet 227535, MedGen C0346153, MONDO:0016419, OMIM 114480. Disease mechanism: loss of function.

Submission:

Myriad Genetics, Inc.
Classification: Pathogenic for Familial cancer of breast. Last evaluated: 2025-11-12. Review status: criteria provided, single submitter. Criteria: Myriad Autosomal Dominant, Autosomal Recessive and X-Linked Classification Criteria (2023). Collection method: clinical testing. Allele origin: unknown.
Comment: This variant is considered pathogenic. This variant creates a frameshift predicted to result in premature protein truncation.

NM_024675.4(PALB2):c.1831_1832del (p.Asp611fs)

Gene: PALB2 (partner and localizer of BRCA2; minus strand). Cytogenetic location: 16p12.2.
Variant type: Deletion.
Coding change: c.1831_1832del on transcript NM_024675.4 (MANE Select); coding-DNA positions 1831 to 1832, 2 bases deleted (GA; older notation c.1831_1832delGA).
Protein change: p.Asp611fs; shifts the reading frame from aspartic acid 611.
Molecular consequence: frameshift variant. On other transcripts: intron variant (1).
Genome position (GRCh38, 1-based): chr16:23,630,322-23,630,323, TC deleted on the plus strand (GA on the coding strand, the reverse complement: PALB2 is on the minus strand); deleting any 2 consecutive bases within chr16:23,630,322-23,630,324 gives the same sequence; the c. name uses the placement nearest the transcript's 3' end. VCF-style (leftmost placement, unchanged base first): chr16-23630321-GTC-G. GRCh37 (hg19) VCF-style: chr16-23641642-GTC-G.
Other names: c.1771_1772del, p.Asp591fs (NM_001407296.1); c.1831_1832del, p.Asp611fs (NM_001407297.1, NM_001407298.1, NM_001407299.1 and 3 more transcripts); c.946_947del, p.Asp316fs (NM_001407304.1, NM_001407305.1, NM_001407306.1 and 5 more transcripts); c.43_44del, p.Asp15fs (NM_001407312.1, NM_001407313.1); c.49-1048_49-1047del (NM_001407314.1); short protein forms D15fs, D316fs, D591fs, D611fs.
Identifiers: ClinVar variation 4812989 (VCV004812989.1).